The following is an entry in ClinVar:

NM_001282933.2(ZNF341):c.695C>T (p.Thr232Met)

Gene: ZNF341 (zinc finger protein 341; plus strand). Cytogenetic location: 20q11.22.
Variant type: single nucleotide variant.
Coding change: c.695C>T on transcript NM_001282933.2 (MANE Select); coding-DNA position 695, C replaced by T.
Protein change: p.Thr232Met; replaces threonine 232 with methionine.
Molecular consequence: missense variant. On other transcripts: non-coding transcript variant (1).
Genome position (GRCh38, 1-based): chr20:33,753,377, C>T. VCF-style: chr20-33753377-C-T. GRCh37 (hg19) VCF-style: chr20-32341183-C-T.
Other names: c.425C>T, p.Thr142Met (NM_001282935.2); c.695C>T, p.Thr232Met (NM_032819.5); c.695C>T (NM_032819.4); short protein forms T232M, T142M.
Identifiers: ClinVar variation 1511113 (VCV001511113.7), dbSNP rs753597161, ClinGen allele CA9819238.

ClinVar aggregate classification (germline): Uncertain significance. Review status: criteria provided, multiple submitters, no conflicts (2 of 4 stars). 2 submissions from 2 submitters: Uncertain significance (2). Last evaluated 2022-12-01.

Conditions:
Hyper-IgE recurrent infection syndrome 3, autosomal recessive. Also called: Autosomal recessive hyper-IgE syndrome due to ZNF341 deficiency; HYPER-IgE SYNDROME 3, AUTOSOMAL RECESSIVE, WITH RECURRENT INFECTIONS. Identifiers: Orphanet 641368, MedGen C4748969, MONDO:0032654, OMIM 618282.

gnomAD v4.1: 68 of 1,607,524 alleles (0.0042%); highest among the groups gnomAD compares: African/African-American, 0.0053%; no homozygotes.

Submissions (2):

Blueprint Genetics
Classification: Uncertain significance. Last evaluated: 2022-12-01. Review status: criteria provided, single submitter. Criteria: ACMG Guidelines, 2015. Collection method: clinical testing. Allele origin: germline.

Labcorp Genetics (formerly Invitae), Labcorp
Classification: Uncertain significance. Last evaluated: 2022-10-13. Review status: criteria provided, single submitter. Criteria: Invitae Variant Classification Sherloc (09022015). Collection method: clinical testing. Allele origin: germline.
Comment: This sequence change replaces threonine, which is neutral and polar, with methionine, which is neutral and non-polar, at codon 232 of the ZNF341 protein (p.Thr232Met). This variant is present in population databases (rs753597161, gnomAD 0.007%). This variant has not been reported in the literature in individuals affected with ZNF341-related conditions. ClinVar contains an entry for this variant (Variation ID: 1511113). Algorithms developed to predict the effect of missense changes on protein structure and function are either unavailable or do not agree on the potential impact of this missense change (SIFT: "Deleterious"; PolyPhen-2: "Possibly Damaging"; Align-GVGD: "Class C0"). In summary, the available evidence is currently insufficient to determine the role of this variant in disease. Therefore, it has been classified as a Variant of Uncertain Significance.